The following is an entry in ClinVar:

NC_000014.9:g.(?_23387519)_(23415842_?)dup

Genes: MIR208A (microRNA 208a; minus strand), MYH6 (myosin heavy chain 6; minus strand), MYH7 (myosin heavy chain 7; minus strand). Cytogenetic location: 14q11.2.
Variant type: Duplication.
Identifiers: ClinVar variation 830500 (VCV000830500.2).

ClinVar aggregate classification (germline): Uncertain significance. Review status: criteria provided, single submitter (1 of 4 stars). 2 submissions from 1 submitter: Uncertain significance (2). Last evaluated 2019-12-06.

Conditions:
Hypertrophic cardiomyopathy 14. Identifiers: MedGen C2750467, MONDO:0013197, OMIM 613251.
Hypertrophic cardiomyopathy. Also called: HYPERTROPHIC MYOCARDIOPATHY. Identifiers: Orphanet 217569, MedGen C0007194, MeSH D002312, MONDO:0005045, HP:0001639.

Submissions (2):

Labcorp Genetics (formerly Invitae), Labcorp
Classification: Uncertain significance for Hypertrophic cardiomyopathy. Last evaluated: 2019-12-06. Review status: criteria provided, single submitter. Criteria: Invitae Variant Classification Sherloc (09022015). Collection method: clinical testing. Allele origin: germline.
Comment: This variant results in a copy number gain of the genomic region encompassing exons 35-40 of the MYH7 gene. The 5' boundary is likely confined to intron 34. The 3' end of this event is unknown as it extends beyond the assayed region for this gene and therefore may encompass additional genes. As the precise location of this event is unknown, it may be in tandem or it may be located elsewhere in the genome. This variant has not been reported in the literature in individuals with MYH7-related conditions. Experimental studies and prediction algorithms are not available for this variant, and the functional significance of the affected amino acid(s) is currently unknown. In summary, the available evidence is currently insufficient to determine the role of this variant in disease. Therefore, it has been classified as a Variant of Uncertain Significance.

Labcorp Genetics (formerly Invitae), Labcorp
Classification: Uncertain significance for Hypertrophic cardiomyopathy 14. Last evaluated: 2019-10-08. Review status: criteria provided, single submitter. Criteria: Invitae Variant Classification Sherloc (09022015). Collection method: clinical testing. Allele origin: germline.
Comment: This variant results in a copy number gain of the genomic region encompassing exons 1-33 of the MYH6 gene, which includes the initiator codon. The 5' end of this event is unknown as it extends beyond the assayed region for this gene and therefore may encompass additional genes. The 3' boundary is likely confined to intron 33 of the MYH6 gene. As the precise location of this event is unknown, it may be in tandem or it may be located elsewhere in the genome. This variant has not been reported in the literature in individuals with MYH6-related conditions. Experimental studies and prediction algorithms are not available or were not evaluated, and the functional significance of this variant is currently unknown. In summary, the available evidence is currently insufficient to determine the role of this variant in disease. Therefore, it has been classified as a Variant of Uncertain Significance.